The following is an entry in ClinVar:

NM_198253.3(TERT):c.3105C>T (p.Val1035=)

Gene: TERT (telomerase reverse transcriptase; minus strand). Cytogenetic location: 5p15.33.
Variant type: single nucleotide variant.
Coding change: c.3105C>T on transcript NM_198253.3 (MANE Select); coding-DNA position 3105, C replaced by T.
Protein change: p.Val1035=; no amino-acid change (valine 1035 retained).
Molecular consequence: synonymous variant. On other transcripts: non-coding transcript variant (2).
Genome position (GRCh38, 1-based): chr5:1,255,339, G>A on the plus strand (C>T on the coding strand, the complement: TERT is on the minus strand). VCF-style: chr5-1255339-G-A. GRCh37 (hg19) VCF-style: chr5-1255454-G-A.
Other names: p.Val1035=; c.2916C>T, p.Val972= (NM_001193376.3).
Identifiers: ClinVar variation 165376 (VCV000165376.63), dbSNP rs181612536, ClinGen allele CA178124.

ClinVar aggregate classification (germline): Conflicting classifications of pathogenicity. Review status: criteria provided, conflicting classifications (1 of 4 stars). 19 submissions from 17 submitters: Uncertain significance (1); Benign (4); Likely benign (11). 3 of the submissions do not count toward it. Last evaluated 2026-10-01.

Conditions:
Idiopathic Pulmonary Fibrosis. Also called: Idiopathic fibrosing alveolitis, chronic form; idiopathic fibrosing alveolitis. Identifiers: Orphanet 2032, MedGen C1800706, MeSH D054990, MONDO:0800504.
Dyskeratosis congenita, autosomal dominant 2. Identifiers: MedGen C3151443, MONDO:0013521, OMIM 613989.
Dyskeratosis congenita. Identifiers: Orphanet 1775, MedGen C0265965, MONDO:0015780.
Pulmonary fibrosis and/or bone marrow failure, Telomere-related, 1. Also called: PULMONARY FIBROSIS AND/OR BONE MARROW FAILURE SYNDROME, TELOMERE-RELATED, 1. Identifiers: Orphanet 88, MedGen C3553617, MONDO:0013878, OMIM 614742.
DiGeorge syndrome. Also called: Catch22; THIRD AND FOURTH PHARYNGEAL POUCH SYNDROME. Identifiers: Orphanet 567, MedGen C0012236, MONDO:0008564, OMIM 188400.
Aplastic anemia. Identifiers: Orphanet 182040, Orphanet 88, MedGen C0002874, MONDO:0015909, OMIM 609135, HP:0001915.

Allele frequency attached by ClinVar (database versions not stated): 1000 Genomes Project 30x 0.00016; 1000 Genomes Project 0.00020; TOPMed 0.00135; ESP Exome Variant Server 0.00165; gnomAD 0.00200 and 0.00207; ExAC 0.00209; gnomAD exomes 0.00209.

Submissions (19):

CeGaT Center for Human Genetics Tuebingen
Classification: Likely benign. Last evaluated: 2026-10-01. Review status: criteria provided, single submitter. Criteria: CeGaT Center For Human Genetics Tuebingen Variant Classification Criteria Version 2. Collection method: clinical testing. Allele origin: germline. Affected: yes. Observed: 49 variant alleles.
Comment: TERT: BP4, BP7

Labcorp Genetics (formerly Invitae), Labcorp
Classification: Benign for Dyskeratosis congenita, autosomal dominant 2; Idiopathic Pulmonary Fibrosis. Last evaluated: 2026-02-01. Review status: criteria provided, single submitter. Criteria: Invitae Variant Classification Sherloc (09022015). Collection method: clinical testing. Allele origin: germline.

Johns Hopkins Genomics, Johns Hopkins University
Classification: Likely benign for DiGeorge syndrome. Last evaluated: 2024-12-13. Review status: criteria provided, single submitter. Criteria: ACMG Guidelines, 2015. Collection method: clinical testing. Allele origin: germline.
Comment: This variant is classified as likely benign (BS2, BP4).

Blueprint Genetics
Classification: Likely benign. Last evaluated: 2024-11-26. Review status: criteria provided, single submitter. Criteria: ACMG Guidelines, 2015. Collection method: clinical testing. Allele origin: germline.

Mayo Clinic Laboratories, Mayo Clinic
Classification: Benign. Last evaluated: 2024-11-08. Review status: criteria provided, single submitter. Criteria: ACMG Guidelines, 2015. Collection method: clinical testing. Allele origin: germline. Observed: 1 variant allele.
Comment: BS1, BS2, BP4, BP7

ARUP Laboratories, Molecular Genetics and Genomics, ARUP Laboratories
Classification: Likely benign. Last evaluated: 2024-02-23. Review status: criteria provided, single submitter. Criteria: ARUP Molecular Germline Variant Investigation Process 2024. Collection method: clinical testing. Allele origin: germline.

Ambry Genetics
Classification: Likely benign for Dyskeratosis congenita. Last evaluated: 2022-05-17. Review status: criteria provided, single submitter. Criteria: Ambry Variant Classification Scheme 2023. Collection method: clinical testing. Allele origin: germline.

GeneDx
Classification: Likely benign. Last evaluated: 2022-03-23. Review status: criteria provided, single submitter. Criteria: GeneDx Variant Classification Process June 2021. Collection method: clinical testing. Allele origin: germline. Affected: yes.

Institute for Clinical Genetics, University Hospital TU Dresden, University Hospital TU Dresden
Classification: Uncertain significance. Last evaluated: 2021-11-03. Review status: criteria provided, single submitter. Criteria: ACMG Guidelines, 2015. Collection method: clinical testing. Allele origin: germline.

Sema4
Classification: Benign for Dyskeratosis congenita. Last evaluated: 2020-12-11. Review status: criteria provided, single submitter. Criteria: Sema4 Curation Guidelines. Collection method: curation. Allele origin: germline.

Illumina Laboratory Services, Illumina
Classification: Benign for Pulmonary fibrosis and/or bone marrow failure, Telomere-related, 1. Last evaluated: 2018-01-12. Review status: criteria provided, single submitter. Criteria: ICSL Variant Classification Criteria 13 December 2019. Collection method: clinical testing. Allele origin: germline.
Comment: This variant was observed in the ICSL laboratory as part of a predisposition screen in an ostensibly healthy population. It had not been previously curated by ICSL or reported in the Human Gene Mutation Database (HGMD: prior to June 1st, 2018), and was therefore a candidate for classification through an automated scoring system. Utilizing variant allele frequency, disease prevalence and penetrance estimates, and inheritance mode, an automated score was calculated to assess if this variant is too frequent to cause the disease. Based on the score and internal cut-off values, a variant classified as benign is not then subjected to further curation. The score for this variant resulted in a classification of benign for this disease.

Illumina Laboratory Services, Illumina
Classification: Likely benign for Aplastic anemia. Last evaluated: 2018-01-12. Review status: criteria provided, single submitter. Criteria: ICSL Variant Classification Criteria 13 December 2019. Collection method: clinical testing. Allele origin: germline.
Comment: This variant was observed in the ICSL laboratory as part of a predisposition screen in an ostensibly healthy population. It had not been previously curated by ICSL or reported in the Human Gene Mutation Database (HGMD: prior to June 1st, 2018), and was therefore a candidate for classification through an automated scoring system. Utilizing variant allele frequency, disease prevalence and penetrance estimates, and inheritance mode, an automated score was calculated to assess if this variant is too frequent to cause the disease. Based on the score and internal cut-off values, a variant classified as likely benign is not then subjected to further curation. The score for this variant resulted in a classification of likely benign for this disease.

Illumina Laboratory Services, Illumina
Classification: Likely benign for Dyskeratosis congenita, autosomal dominant 2. Last evaluated: 2018-01-12. Review status: criteria provided, single submitter. Criteria: ICSL Variant Classification Criteria 13 December 2019. Collection method: clinical testing. Allele origin: germline.
Comment: the same text as in the submission from Illumina Laboratory Services, Illumina above.

Genetic Services Laboratory, University of Chicago
Classification: Likely benign. Last evaluated: 2017-03-08. Review status: criteria provided, single submitter. Criteria: ACMG Guidelines, 2015. Collection method: clinical testing. Allele origin: germline. Affected: no.

Laboratory for Molecular Medicine, Mass General Brigham Personalized Medicine
Classification: Likely benign. Last evaluated: 2013-02-21. Review status: criteria provided, single submitter. Criteria: LMM Criteria. Collection method: clinical testing. Allele origin: germline. Observed: 1 variant allele.
Comment: Val1035Val in exon 14 of TERT: This variant is not expected to have clinical sig nificance because it does not alter an amino acid residue and is not located wit hin the splice consensus sequence. It has been identified in 0.2% (20/8472) of E uropean American chromosomes from a broad population by the NHLBI Exome Sequenci ng Project (dbSNP rs181612536).

PreventionGenetics, part of Exact Sciences
Classification: Likely benign. Review status: criteria provided, single submitter. Criteria: ACMG Guidelines, 2015. Collection method: clinical testing. Allele origin: germline.

Clinical Genetics DNA and cytogenetics Diagnostics Lab, Erasmus MC, Erasmus Medical Center
Classification: Likely benign. Review status: no assertion criteria provided. Collection method: clinical testing. Allele origin: germline. Affected: yes. Study: VKGL Data-share Consensus. Not counted in ClinVar's aggregate classification.

Genome Diagnostics Laboratory, University Medical Center Utrecht
Classification: Likely benign. Review status: no assertion criteria provided. Collection method: clinical testing. Allele origin: germline. Affected: yes. Study: VKGL Data-share Consensus. Not counted in ClinVar's aggregate classification.

Joint Genome Diagnostic Labs from Nijmegen and Maastricht, Radboudumc and MUMC+
Classification: Likely benign. Review status: no assertion criteria provided. Collection method: clinical testing. Allele origin: germline. Affected: yes. Study: VKGL Data-share Consensus. Not counted in ClinVar's aggregate classification.

Literature cited by the submitters: PubMed 15814878 (cited by Johns Hopkins Genomics, Johns Hopkins University); PubMed 16207588 (cited by Johns Hopkins Genomics, Johns Hopkins University).